The following is an entry in ClinVar:

ClinVar aggregate classification (germline): Uncertain significance. Review status: criteria provided, multiple submitters, no conflicts (2 of 4 stars). 2 submissions from 2 submitters: Uncertain significance (2). Last evaluated 2024-09-08.

Conditions:
Inborn genetic diseases. Identifiers: MedGen C0950123, MeSH D030342.
Autosomal dominant nonsyndromic hearing loss 65. Also called: Deafness, autosomal dominant 65; TBC1D24-Related Autosomal Dominant Nonsyndromic Hearing Loss (DFNA). Identifiers: Orphanet 90635, MedGen C3892048, MONDO:0014470, OMIM 616044.
Developmental and epileptic encephalopathy, 1 (DEE1). Also called: INFANTILE SPASM SYNDROME, X-LINKED 1; X-linked infantile spasms; West's syndrome; Tonic spasms with clustering, arrest of psychomotor development and hypsarrhythmia on EEG; X-Linked Infantile Spasm Syndrome; OHTAHARA SYNDROME, X-LINKED. Identifiers: MedGen C3463992, MONDO:0010632, OMIM 308350. Disease mechanism: loss of function.

Allele frequency attached by ClinVar (database versions not stated): gnomAD exomes below 0.00001; ExAC 0.00002; TOPMed 0.00002.

Submissions (2):

Ambry Genetics
Classification: Uncertain significance for Inborn genetic diseases. Last evaluated: 2024-09-08. Review status: criteria provided, single submitter. Criteria: Ambry Variant Classification Scheme 2023. Collection method: clinical testing. Allele origin: germline.

Labcorp Genetics (formerly Invitae), Labcorp
Classification: Uncertain significance for Developmental and epileptic encephalopathy, 1; Autosomal dominant nonsyndromic hearing loss 65. Last evaluated: 2023-03-22. Review status: criteria provided, single submitter. Criteria: Invitae Variant Classification Sherloc (09022015). Collection method: clinical testing. Allele origin: germline.
Comment: In summary, the available evidence is currently insufficient to determine the role of this variant in disease. Therefore, it has been classified as a Variant of Uncertain Significance. This sequence change replaces isoleucine, which is neutral and non-polar, with valine, which is neutral and non-polar, at codon 518 of the TBC1D24 protein (p.Ile518Val). This variant is present in population databases (rs777273353, gnomAD 0.03%). This variant has not been reported in the literature in individuals affected with TBC1D24-related conditions. Advanced modeling of protein sequence and biophysical properties (such as structural, functional, and spatial information, amino acid conservation, physicochemical variation, residue mobility, and thermodynamic stability) performed at Invitae indicates that this missense variant is not expected to disrupt TBC1D24 protein function.

NM_001199107.2(TBC1D24):c.1552A>G (p.Ile518Val)

Gene: TBC1D24 (TBC1 domain family member 24; plus strand). Cytogenetic location: 16p13.3.
Variant type: single nucleotide variant.
Coding change: c.1552A>G on transcript NM_001199107.2 (MANE Select); coding-DNA position 1552, A replaced by G.
Protein change: p.Ile518Val; replaces isoleucine 518 with valine.
Molecular consequence: missense variant.
Genome position (GRCh38, 1-based): chr16:2,500,830, A>G. VCF-style: chr16-2500830-A-G. GRCh37 (hg19) VCF-style: chr16-2550831-A-G.
Other names: c.1534A>G, p.Ile512Val (NM_020705.3); c.1552A>G (NM_001199107.1); short protein forms I518V, I512V.
Identifiers: ClinVar variation 2923635 (VCV002923635.4), dbSNP rs777273353, ClinGen allele CA7844344.